The following is an entry in ClinVar:

NM_015202.5(KATNIP):c.2533C>T (p.Pro845Ser)

Gene: KATNIP (katanin interacting protein; plus strand). Cytogenetic location: 16p12.1.
Variant type: single nucleotide variant.
Coding change: c.2533C>T on transcript NM_015202.5 (MANE Select); coding-DNA position 2533, C replaced by T.
Protein change: p.Pro845Ser; replaces proline 845 with serine.
Molecular consequence: missense variant.
Genome position (GRCh38, 1-based): chr16:27,740,830, C>T. VCF-style: chr16-27740830-C-T. GRCh37 (hg19) VCF-style: chr16-27752151-C-T.
Other names: c.2533C>T (NM_015202.2); short protein forms P845S.
Identifiers: ClinVar variation 2742507 (VCV002742507.3), dbSNP rs148132134, ClinGen allele CA7977984.
Genomic context (GRCh38, chr16:27,740,830, plus strand): 5'-AGACCCCAGAGGGCAACCACCAAAGTCCACAGTGATGACTCAGACATCTTTAACCAGCCC[C>T]CCAACAGAGAGCGCCCTGCTAGTGGGAGGAGGGGCTCAAGGAAGGATGCTGGCAGCAGTA-3'
Protein context (NP_056017.4, residues 835-855): SDDSDIFNQP[Pro845Ser]NRERPASGRR

ClinVar aggregate classification (germline): Conflicting classifications of pathogenicity. Review status: criteria provided, conflicting classifications (1 of 4 stars). 3 submissions from 3 submitters: Uncertain significance (1); Likely benign (2). Last evaluated 2024-09-14.

Allele frequency attached by ClinVar (database versions not stated): 1000 Genomes Project 30x 0.00016; 1000 Genomes Project 0.00020; ExAC 0.00025; TOPMed 0.00029; gnomAD 0.00036; ESP Exome Variant Server 0.00062.
gnomAD v4.1: 704 of 1,613,704 alleles (0.044%); highest among the groups gnomAD compares: Non-Finnish European, 0.058%; 1 homozygote.

Submissions (3):

Blueprint Genetics
Classification: Likely benign. Last evaluated: 2024-09-14. Review status: criteria provided, single submitter. Criteria: ACMG Guidelines, 2015. Collection method: clinical testing. Allele origin: germline.

Labcorp Genetics (formerly Invitae), Labcorp
Classification: Uncertain significance. Last evaluated: 2023-12-11. Review status: criteria provided, single submitter. Criteria: Invitae Variant Classification Sherloc (09022015). Collection method: clinical testing. Allele origin: germline.
Comment: This sequence change replaces proline, which is neutral and non-polar, with serine, which is neutral and polar, at codon 845 of the KIAA0556 protein (p.Pro845Ser). This variant is present in population databases (rs148132134, gnomAD 0.04%). This variant has not been reported in the literature in individuals affected with KIAA0556-related conditions. Algorithms developed to predict the effect of missense changes on protein structure and function output the following: SIFT: "Not Available"; PolyPhen-2: "Benign"; Align-GVGD: "Not Available". The serine amino acid residue is found in multiple mammalian species, which suggests that this missense change does not adversely affect protein function. In summary, the available evidence is currently insufficient to determine the role of this variant in disease. Therefore, it has been classified as a Variant of Uncertain Significance.

Ambry Genetics
Classification: Likely benign. Last evaluated: 2022-12-16. Review status: criteria provided, single submitter. Criteria: Ambry Variant Classification Scheme 2023. Collection method: clinical testing. Allele origin: germline.